The following is an entry in ClinVar:

ClinVar aggregate classification (germline): Pathogenic. Review status: criteria provided, multiple submitters, no conflicts (2 of 4 stars). 7 submissions from 7 submitters: Pathogenic (7). Last evaluated 2026-04-01.

Conditions:
MYO7A-related disorder. Also called: MYO7A-related disorders.
Usher syndrome type 1 (USH1). Also called: RETINITIS PIGMENTOSA AND CONGENITAL DEAFNESS. Identifiers: Orphanet 231169, Orphanet 886, MedGen C1568247, MONDO:0010168, OMIM 276900.
Rare genetic deafness. Identifiers: Orphanet 96210, MedGen C5680250.

Submissions (7):

GeneDx
Classification: Pathogenic. Last evaluated: 2026-04-01. Review status: criteria provided, single submitter. Criteria: GeneDx Variant Classification Process June 2021. Collection method: clinical testing. Allele origin: germline.
Comment: Frameshift variant predicted to result in protein truncation or nonsense mediated decay in a gene for which loss of function is a known mechanism of disease; Not observed at significant frequency in large population cohorts (gnomAD); This variant is associated with the following publications: (PMID: 39843441, 29048421, 35754085, 28944237, 35779349)

Revvity Omics, Revvity
Classification: Pathogenic. Last evaluated: 2024-11-27. Review status: criteria provided, single submitter. Criteria: ACMG Guidelines, 2015. Collection method: clinical testing. Allele origin: germline.

Institute of Human Genetics, University of Leipzig Medical Center
Classification: Pathogenic for Usher syndrome type 1. Last evaluated: 2023-08-24. Review status: criteria provided, single submitter. Criteria: ACMG Guidelines, 2015. Collection method: clinical testing. Allele origin: paternal. Inheritance: Autosomal recessive inheritance. Affected: yes.
Comment: Criteria applied: PVS1,PM2_SUP,PM3

Blueprint Genetics
Classification: Pathogenic for MYO7A-related disorders. Last evaluated: 2022-09-02. Review status: criteria provided, single submitter. Criteria: ACMG Guidelines, 2015. Collection method: clinical testing. Allele origin: germline. Affected: yes. Observed: 3 variant alleles.

Labcorp Genetics (formerly Invitae), Labcorp
Classification: Pathogenic. Last evaluated: 2022-08-31. Review status: criteria provided, single submitter. Criteria: Invitae Variant Classification Sherloc (09022015). Collection method: clinical testing. Allele origin: germline.
Comment: This sequence change creates a premature translational stop signal (p.Lys2078Glufs*50) in the MYO7A gene. It is expected to result in an absent or disrupted protein product. Loss-of-function variants in MYO7A are known to be pathogenic (PMID: 8900236, 25404053). This variant is not present in population databases (gnomAD no frequency). This premature translational stop signal has been observed in individual(s) with autosomal recessive MYO7A-related conditions (PMID: 28944237, 29048421). ClinVar contains an entry for this variant (Variation ID: 179745). For these reasons, this variant has been classified as Pathogenic.

Clinical Genetics Laboratory, Skane University Hospital Lund
Classification: Pathogenic. Last evaluated: 2022-05-27. Review status: criteria provided, single submitter. Criteria: ACMG Guidelines, 2015. Collection method: clinical testing. Allele origin: germline. Affected: yes.

Laboratory for Molecular Medicine, Mass General Brigham Personalized Medicine
Classification: Pathogenic for Rare genetic deafness. Last evaluated: 2014-07-22. Review status: criteria provided, single submitter. Criteria: LMM Criteria. Collection method: clinical testing. Allele origin: germline. Inheritance: Autosomal recessive inheritance. Observed: 8 variant alleles.
Comment: It has not been identified in large population studies. This variant is predicted to cause a frameshift, which alters the protein?s amino aci d sequence beginning at position 2078 and lead to a premature termination codon 50 amino acids downstream. This alteration is then predicted to lead to a trunca ted or absent protein. Truncating or loss of function variants in the MYO7A gen e are an established disease mechanism for Usher syndrome. In summary, this var iant meets our criteria to be classified as pathogenic for Usher syndrome in an autosomal recessive manner (For-Molecular-Medicine/).

Literature cited by the submitters: PubMed 8900236 (cited by Labcorp Genetics (formerly Invitae), Labcorp); PubMed 25404053 (cited by Labcorp Genetics (formerly Invitae), Labcorp); PubMed 28944237 (cited by Labcorp Genetics (formerly Invitae), Labcorp); PubMed 29048421 (cited by Labcorp Genetics (formerly Invitae), Labcorp).

NM_000260.4(MYO7A):c.6231dup (p.Lys2078fs)

Gene: MYO7A (myosin VIIA; plus strand). Cytogenetic location: 11q13.5.
Variant type: Duplication.
Coding change: c.6231dup on transcript NM_000260.4 (MANE Select); coding-DNA position 6231, one base duplicated (G; older notation c.6231dupG).
Protein change: p.Lys2078fs; shifts the reading frame from lysine 2078.
Genome position (GRCh38, 1-based): chr11:77,211,331, G duplicated; the last of 2 consecutive G bases (chr11:77,211,330-77,211,331); duplicating either gives the same sequence. VCF-style (leftmost placement, unchanged base first): chr11-77211329-T-TG. GRCh37 (hg19) VCF-style: chr11-76922374-T-TG.
Other names: NM_000260.3:c.6231dupG; p.Lys2078GlufsX50; c.6117dup, p.Lys2040fs (NM_001127180.2); c.6084dup, p.Lys2029fs (NM_001369365.1); c.6231dup (NM_000260.3); short protein forms K2040fs, K2029fs, K2078fs.
Identifiers: ClinVar variation 179745 (VCV000179745.15), dbSNP rs730880367, ClinGen allele CA278745.